The following is an entry in ClinVar:

ClinVar aggregate classification (germline): Uncertain significance. Review status: criteria provided, multiple submitters, no conflicts (2 of 4 stars). 2 submissions from 2 submitters: Uncertain significance (2). Last evaluated 2025-05-19.

Conditions:
Hereditary cancer-predisposing syndrome. Also called: Tumor predisposition; Hereditary Cancer Syndrome; Hereditary neoplastic syndrome; Neoplastic Syndromes, Hereditary. Identifiers: Orphanet 140162, MedGen C0027672, MeSH D009386, MONDO:0015356.
Rhabdoid tumor predisposition syndrome 2 (RTPS2). Identifiers: Orphanet 231108, Orphanet 69077, MedGen C2750074, MONDO:0013224, OMIM 613325.

Allele frequency attached by ClinVar (database versions not stated): gnomAD exomes 0.00001.
gnomAD v4.1: 7 of 1,612,620 alleles (0.00043%); highest among the groups gnomAD compares: Non-Finnish European, 0.00059%; no homozygotes.

Submissions (2):

Labcorp Genetics (formerly Invitae), Labcorp
Classification: Uncertain significance for Rhabdoid tumor predisposition syndrome 2. Last evaluated: 2025-05-19. Review status: criteria provided, single submitter. Criteria: Invitae Variant Classification Sherloc (09022015). Collection method: clinical testing. Allele origin: germline.
Comment: This sequence change replaces glutamine, which is neutral and polar, with histidine, which is basic and polar, at codon 1472 of the SMARCA4 protein (p.Gln1472His). The frequency data for this variant in the population databases is considered unreliable, as metrics indicate poor data quality at this position in the gnomAD database. This variant has not been reported in the literature in individuals affected with SMARCA4-related conditions. ClinVar contains an entry for this variant (Variation ID: 2587140). Invitae Evidence Modeling of protein sequence and biophysical properties (such as structural, functional, and spatial information, amino acid conservation, physicochemical variation, residue mobility, and thermodynamic stability) indicates that this missense variant is expected to disrupt SMARCA4 protein function with a positive predictive value of 95%. In summary, the available evidence is currently insufficient to determine the role of this variant in disease. Therefore, it has been classified as a Variant of Uncertain Significance.

Ambry Genetics
Classification: Uncertain significance for Hereditary cancer-predisposing syndrome. Last evaluated: 2023-08-16. Review status: criteria provided, single submitter. Criteria: Ambry Variant Classification Scheme 2023. Collection method: clinical testing. Allele origin: germline.
Comment: The p.Q1472H variant (also known as c.4416G>T), located in coding exon 30 of the SMARCA4 gene, results from a G to T substitution at nucleotide position 4416. The glutamine at codon 1472 is replaced by histidine, an amino acid with highly similar properties. This amino acid position is well conserved in available vertebrate species. In addition, this alteration is predicted to be tolerated by in silico analysis. Missense and in-frame variants in SMARCA4 are known to cause neurodevelopmental disorders; however, such associations with rhabdoid tumor predisposition syndrome including small cell carcinoma of the ovary-hypercalcemic type (SCCOHT) are exceedingly rare (Kosho T et al. Am J Med Genet C Semin Med Genet. 2014 Sep;166C(3):262-75; Jelinic P et al. Nat Genet. 2014 May;46(5):424-6). Based on the supporting evidence, the association of this alteration with Coffin-Siris syndrome is unknown; however, the association of this alteration with rhabdoid tumor predisposition syndrome is unlikely.

NM_003072.5(SMARCA4):c.4320G>T (p.Gln1440His)

Gene: SMARCA4 (SWI/SNF related BAF chromatin remodeling complex subunit ATPase 4; plus strand). Cytogenetic location: 19p13.2.
Variant type: single nucleotide variant.
Coding change: c.4320G>T on transcript NM_003072.5 (MANE Select); coding-DNA position 4320, G replaced by T.
Protein change: p.Gln1440His; replaces glutamine 1440 with histidine.
Molecular consequence: missense variant. On other transcripts: non-coding transcript variant (1).
Genome position (GRCh38, 1-based): chr19:11,041,456, G>T. VCF-style: chr19-11041456-G-T. GRCh37 (hg19) VCF-style: chr19-11152132-G-T.
Other names: c.4320G>T, p.Gln1440His (NM_001128844.3); c.4230G>T, p.Gln1410His (NM_001128845.2, NM_001128846.2); c.4221G>T, p.Gln1407His (NM_001128847.4, NM_001128848.2, NM_001374457.1); c.4416G>T, p.Gln1472His (NM_001128849.3, NM_001387283.1); c.4317G>T, p.Gln1439His (NM_001411150.1); short protein forms Q1439H, Q1410H, Q1472H, Q1407H, Q1440H.
Identifiers: ClinVar variation 2587140 (VCV002587140.4), dbSNP rs1284048001, ClinGen allele CA404073830.